The following is an entry in ClinVar:

NM_002439.5(MSH3):c.2386C>A (p.Arg796=)

Gene: MSH3 (mutS homolog 3; plus strand). Cytogenetic location: 5q14.1.
Variant type: single nucleotide variant.
Coding change: c.2386C>A on transcript NM_002439.5 (MANE Select); coding-DNA position 2386, C replaced by A.
Protein change: p.Arg796=; no amino-acid change (arginine 796 retained).
Molecular consequence: synonymous variant.
Genome position (GRCh38, 1-based): chr5:80,778,787, C>A. VCF-style: chr5-80778787-C-A. GRCh37 (hg19) VCF-style: chr5-80074606-C-A.
Other names: c.2386C>A (NM_002439.3).
Identifiers: ClinVar variation 1107720 (VCV001107720.10), dbSNP rs372431614, ClinGen allele CA445163418.

ClinVar aggregate classification (germline): Conflicting classifications of pathogenicity. Review status: criteria provided, conflicting classifications (1 of 4 stars). 2 submissions from 2 submitters: Uncertain significance (1); Likely benign (1). Last evaluated 2026-01-02.

Conditions:
Hereditary cancer-predisposing syndrome. Also called: Tumor predisposition; Neoplastic Syndromes, Hereditary; Hereditary Cancer Syndrome; Hereditary neoplastic syndrome. Identifiers: Orphanet 140162, MedGen C0027672, MeSH D009386, MONDO:0015356.

gnomAD v4.1: 4 of 1,612,736 alleles (0.00025%); highest among the groups gnomAD compares: Non-Finnish European, 0.00034%; no homozygotes.

Submissions (2):

Labcorp Genetics (formerly Invitae), Labcorp
Classification: Likely benign. Last evaluated: 2026-01-02. Review status: criteria provided, single submitter. Criteria: Invitae Variant Classification Sherloc (09022015). Collection method: clinical testing. Allele origin: germline.

Ambry Genetics
Classification: Uncertain significance for Hereditary cancer-predisposing syndrome. Last evaluated: 2024-07-30. Review status: criteria provided, single submitter. Criteria: Ambry Variant Classification Scheme 2023. Collection method: clinical testing. Allele origin: germline.
Comment: The c.2386C>A variant (also known as p.R796R), located in coding exon 17 of the MSH3 gene, results from a C to A substitution at nucleotide position 2386. This nucleotide substitution does not change the arginine at codon 796. This nucleotide position is highly conserved in available vertebrate species. In silico splice site analysis predicts that this alteration may weaken the native splice donor site. Based on the available evidence, the clinical significance of this variant remains unclear.